The following is an entry in ClinVar:

ClinVar aggregate classification (germline): Pathogenic (1 of 4 stars; one submission).

Conditions:
Genitopatellar syndrome (GTPTS). Also called: Genitopatellar syndrome (GPS); ABSENT PATELLAE, SCROTAL HYPOPLASIA, RENAL ANOMALIES, FACIAL DYSMORPHISM, AND MENTAL RETARDATION. Identifiers: Orphanet 85201, MedGen C1853566, MONDO:0011640, OMIM 606170.

Submission:

Labcorp Genetics (formerly Invitae), Labcorp
Classification: Pathogenic for Genitopatellar syndrome. Last evaluated: 2023-08-04. Review status: criteria provided, single submitter. Criteria: Invitae Variant Classification Sherloc (09022015). Collection method: clinical testing. Allele origin: germline.
Comment: For these reasons, this variant has been classified as Pathogenic. This variant disrupts a region of the KAT6B protein in which other variant(s) (p.Gln1911*) have been determined to be pathogenic (PMID: 22077973, 25424711; Invitae). This suggests that this is a clinically significant region of the protein, and that variants that disrupt it are likely to be disease-causing. ClinVar contains an entry for this variant (Variation ID: 2134903). This variant has not been reported in the literature in individuals affected with KAT6B-related conditions. This variant is not present in population databases (gnomAD no frequency). This sequence change creates a premature translational stop signal (p.Gln1821*) in the KAT6B gene. While this is not anticipated to result in nonsense mediated decay, it is expected to disrupt the last 253 amino acid(s) of the KAT6B protein.

Literature cited by the submitters: PubMed 22077973; PubMed 25424711.

NM_012330.4(KAT6B):c.5461C>T (p.Gln1821Ter)

Gene: KAT6B (lysine acetyltransferase 6B; plus strand). Cytogenetic location: 10q22.2.
Variant type: single nucleotide variant.
Coding change: c.5461C>T on transcript NM_012330.4 (MANE Select); coding-DNA position 5461, C replaced by T.
Protein change: p.Gln1821Ter; replaces glutamine 1821 with a stop codon.
Molecular consequence: nonsense.
Genome position (GRCh38, 1-based): chr10:75,030,285, C>T. VCF-style: chr10-75030285-C-T. GRCh37 (hg19) VCF-style: chr10-76790043-C-T.
Other names: c.4585C>T, p.Gln1529Ter (NM_001256469.2, NM_001370139.1, NM_001370140.1 and 2 more transcripts); c.4423C>T, p.Gln1475Ter (NM_001370132.1); c.3772C>T, p.Gln1258Ter (NM_001370133.1); c.3376C>T, p.Gln1126Ter (NM_001370134.1); c.3118C>T, p.Gln1040Ter (NM_001370135.1); c.5461C>T, p.Gln1821Ter (NM_001370136.1, NM_001370137.1); c.4912C>T, p.Gln1638Ter (NM_001370138.1, NM_001256468.2); c.4396C>T, p.Gln1466Ter (NM_001370143.1, NM_001370144.1); short protein forms Q1126*, Q1466*, Q1821*, Q1475*, Q1529*, Q1040*, Q1258*, Q1638*.
Identifiers: ClinVar variation 2134903 (VCV002134903.4), dbSNP rs1314336566, ClinGen allele CA377301316.